The following is an entry in ClinVar:

ClinVar aggregate classification (germline): Likely benign (0 of 4 stars; one submission).

Conditions:
RELN-related disorder. Also called: RELN-related condition.

gnomAD v4.1: 3 of 1,601,100 alleles (0.00019%); highest among the groups gnomAD compares: Non-Finnish European, 0.00026%; no homozygotes.

Submission:

PreventionGenetics, part of Exact Sciences
Classification: Likely benign for RELN-related condition. Last evaluated: 2019-07-24. Review status: no assertion criteria provided. Collection method: clinical testing. Allele origin: germline.
Comment: This variant is classified as likely benign based on ACMG/AMP sequence variant interpretation guidelines (Richards et al. 2015 PMID: 25741868, with internal and published modifications).

NM_005045.4(RELN):c.7181-24C>A

Gene: RELN (reelin; minus strand). Cytogenetic location: 7q22.1.
Variant type: single nucleotide variant.
Coding change: c.7181-24C>A on transcript NM_005045.4 (MANE Select); 24 bases into the intron before coding-DNA position 7181, C replaced by A.
Molecular consequence: intron variant.
Genome position (GRCh38, 1-based): chr7:103,535,508, G>T on the plus strand (C>A on the coding strand, the complement: RELN is on the minus strand). VCF-style: chr7-103535508-G-T. GRCh37 (hg19) VCF-style: chr7-103175955-G-T.
Other names: c.7181-24C>A (NM_173054.3).
Identifiers: ClinVar variation 3050498 (VCV003050498.2), dbSNP rs192500474, ClinGen allele CA4420788.